The following is an entry in ClinVar:

NM_001082486.2(ACD):c.334G>A (p.Ala112Thr)

Gene: ACD (ACD shelterin complex subunit and telomerase recruitment factor; minus strand). Cytogenetic location: 16q22.1.
Variant type: single nucleotide variant.
Coding change: c.334G>A on transcript NM_001082486.2 (MANE Select); coding-DNA position 334, G replaced by A.
Protein change: p.Ala112Thr; replaces alanine 112 with threonine.
Molecular consequence: missense variant.
Genome position (GRCh38, 1-based): chr16:67,659,704, C>T on the plus strand (G>A on the coding strand, the complement: ACD is on the minus strand). VCF-style: chr16-67659704-C-T. GRCh37 (hg19) VCF-style: chr16-67693607-C-T.
Other names: c.334G>A, p.Ala112Thr (NM_001410884.1); c.325G>A, p.Ala109Thr (NM_022914.3); short protein forms A112T, A109T.
Identifiers: ClinVar variation 2062859 (VCV002062859.4), dbSNP rs773029984, ClinGen allele CA8114754.

ClinVar aggregate classification (germline): Uncertain significance (1 of 4 stars; one submission).

Conditions:
Dyskeratosis congenita, autosomal dominant 6 (DKCA6). Identifiers: Orphanet 3322, MedGen C4225284, MONDO:0014690, OMIM 616553.

Allele frequency attached by ClinVar (database versions not stated): gnomAD exomes below 0.00001; ExAC 0.00001.
gnomAD v4.1: 2 of 1,613,284 alleles (0.00012%); highest among the groups gnomAD compares: South Asian, 0.0011%; no homozygotes.

Submission:

Labcorp Genetics (formerly Invitae), Labcorp
Classification: Uncertain significance for Dyskeratosis congenita, autosomal dominant 6. Last evaluated: 2021-12-27. Review status: criteria provided, single submitter. Criteria: Invitae Variant Classification Sherloc (09022015). Collection method: clinical testing. Allele origin: germline.
Comment: This variant is present in population databases (rs773029984, gnomAD 0.003%). In summary, the available evidence is currently insufficient to determine the role of this variant in disease. Therefore, it has been classified as a Variant of Uncertain Significance. Algorithms developed to predict the effect of missense changes on protein structure and function output the following: SIFT: "Tolerated"; PolyPhen-2: "Benign"; Align-GVGD: "Class C0". The threonine amino acid residue is found in multiple mammalian species, which suggests that this missense change does not adversely affect protein function. This variant has not been reported in the literature in individuals affected with ACD-related conditions. This sequence change replaces alanine, which is neutral and non-polar, with threonine, which is neutral and polar, at codon 198 of the ACD protein (p.Ala198Thr).